The following is an entry in ClinVar:

NM_207352.4(CYP4V2):c.1081G>T (p.Asp361Tyr)

Gene: CYP4V2 (cytochrome P450 family 4 subfamily V member 2; plus strand). Cytogenetic location: 4q35.2.
Variant type: single nucleotide variant.
Coding change: c.1081G>T on transcript NM_207352.4 (MANE Select); coding-DNA position 1081, G replaced by T.
Protein change: p.Asp361Tyr; replaces aspartic acid 361 with tyrosine.
Molecular consequence: missense variant.
Genome position (GRCh38, 1-based): chr4:186,205,293, G>T. VCF-style: chr4-186205293-G-T. GRCh37 (hg19) VCF-style: chr4-187126447-G-T.
Other names: short protein forms D361Y.
Identifiers: ClinVar variation 954681 (VCV000954681.9), dbSNP rs374223072, ClinGen allele CA3162732.
Genomic context (GRCh38, chr4:186,205,293, plus strand): 5'-TCCTTATACCTGTTGGGTTCTAACCCAGAAGTCCAGAAAAAAGTGGATCATGAATTGGAT[G>T]ACGTGTTTGGTATGTTTGGCCCCTTCACTGGTTATATTGTGGTACTAAGTCTGCTGCAGA-3'
Protein context (NP_997235.3, residues 351-371): VQKKVDHELD[Asp361Tyr]VFGKSDRPAT

ClinVar aggregate classification (germline): Uncertain significance (1 of 4 stars; one submission).

Allele frequency attached by ClinVar (database versions not stated): ExAC 0.00001; gnomAD exomes 0.00001; gnomAD 0.00002; TOPMed 0.00003; ESP Exome Variant Server 0.00008.
gnomAD v4.1: 9 of 1,614,086 alleles (0.00056%); highest among the groups gnomAD compares: African/African-American, 0.008%; no homozygotes.

Submission:

Labcorp Genetics (formerly Invitae), Labcorp
Classification: Uncertain significance. Last evaluated: 2020-10-09. Review status: criteria provided, single submitter. Criteria: Invitae Variant Classification Sherloc (09022015). Collection method: clinical testing. Allele origin: germline.
Comment: In summary, the available evidence is currently insufficient to determine the role of this variant in disease. Therefore, it has been classified as a Variant of Uncertain Significance. Algorithms developed to predict the effect of missense changes on protein structure and function are either unavailable or do not agree on the potential impact of this missense change (SIFT: "Deleterious"; PolyPhen-2: "Possibly Damaging"; Align-GVGD: "Class C0"). This variant has not been reported in the literature in individuals with CYP4V2-related conditions. This variant is present in population databases (rs374223072, ExAC 0.01%). This sequence change replaces aspartic acid with tyrosine at codon 361 of the CYP4V2 protein (p.Asp361Tyr). The aspartic acid residue is weakly conserved and there is a large physicochemical difference between aspartic acid and tyrosine.